The following is an entry in ClinVar:

ClinVar aggregate classification (germline): Uncertain significance (1 of 4 stars; one submission).

Submission:

Labcorp Genetics (formerly Invitae), Labcorp
Classification: Uncertain significance. Last evaluated: 2021-09-24. Review status: criteria provided, single submitter. Criteria: Invitae Variant Classification Sherloc (09022015). Collection method: clinical testing. Allele origin: germline.
Comment: This sequence change replaces histidine with glutamine at codon 417 of the PDE6C protein (p.His417Gln). The histidine residue is moderately conserved and there is a small physicochemical difference between histidine and glutamine. This variant is not present in population databases (ExAC no frequency). This variant has not been reported in the literature in individuals with PDE6C-related conditions. Algorithms developed to predict the effect of missense changes on protein structure and function are either unavailable or do not agree on the potential impact of this missense change (SIFT: "Deleterious"; PolyPhen-2: "Benign"; Align-GVGD: "Class C0"). In summary, the available evidence is currently insufficient to determine the role of this variant in disease. Therefore, it has been classified as a Variant of Uncertain Significance.

NM_006204.4(PDE6C):c.1251T>A (p.His417Gln)

Gene: PDE6C (phosphodiesterase 6C; plus strand). Cytogenetic location: 10q23.33.
Variant type: single nucleotide variant.
Coding change: c.1251T>A on transcript NM_006204.4 (MANE Select); coding-DNA position 1251, T replaced by A.
Protein change: p.His417Gln; replaces histidine 417 with glutamine.
Molecular consequence: missense variant.
Genome position (GRCh38, 1-based): chr10:93,634,889, T>A. VCF-style: chr10-93634889-T-A. GRCh37 (hg19) VCF-style: chr10-95394646-T-A.
Other names: short protein forms H417Q.
Identifiers: ClinVar variation 1354743 (VCV001354743.5), dbSNP rs768495549, ClinGen allele CA377614503.
Genomic context (GRCh38, chr10:93,634,889, plus strand): 5'-AGATATTGTGGGAGTGGCTACATTTTACAACAGGAAGGATGGAAAACCTTTCGATGAGCA[T>A]GATGAATACATTACCGAGGCAAGTGCAATAATAAGATAATGGAAGTCAATGCAATTCACA-3'
Protein context (NP_006195.3, residues 407-427): NRKDGKPFDE[His417Gln]DEYITETLTQ